The following is an entry in ClinVar:

NM_005609.4(PYGM):c.772+1G>T

Gene: PYGM (glycogen phosphorylase, muscle associated; minus strand). Cytogenetic location: 11q13.1.
Variant type: single nucleotide variant.
Coding change: c.772+1G>T on transcript NM_005609.4 (MANE Select); the canonical splice donor site of the intron after coding-DNA position 772, G replaced by T.
Molecular consequence: splice donor variant.
Genome position (GRCh38, 1-based): chr11:64,755,446, C>A on the plus strand (G>T on the coding strand, the complement: PYGM is on the minus strand). VCF-style: chr11-64755446-C-A. GRCh37 (hg19) VCF-style: chr11-64522918-C-A.
Other names: c.508+1G>T (NM_001164716.1).
Identifiers: ClinVar variation 1954368 (VCV001954368.5), dbSNP rs2496663759, ClinGen allele CA381179972.

ClinVar aggregate classification (germline): Pathogenic (1 of 4 stars; one submission).

Conditions:
Glycogen storage disease, type V (GSD5). Also called: MCARDLE DISEASE; MUSCLE GLYCOGEN PHOSPHORYLASE DEFICIENCY; MYOPHOSPHORYLASE DEFICIENCY; PYGM DEFICIENCY; McArdle type glycogen storage disease. Identifiers: Orphanet 368, MedGen C0017924, MONDO:0009293, OMIM 232600.

Submission:

Labcorp Genetics (formerly Invitae), Labcorp
Classification: Pathogenic for Glycogen storage disease, type V. Last evaluated: 2023-05-15. Review status: criteria provided, single submitter. Criteria: Invitae Variant Classification Sherloc (09022015). Collection method: clinical testing. Allele origin: germline.
Comment: This sequence change affects a donor splice site in intron 6 of the PYGM gene. It is expected to disrupt RNA splicing. Variants that disrupt the donor or acceptor splice site typically lead to a loss of protein function (PMID: 16199547), and loss-of-function variants in PYGM are known to be pathogenic (PMID: 8316268, 16786513). For these reasons, this variant has been classified as Pathogenic. Algorithms developed to predict the effect of sequence changes on RNA splicing suggest that this variant may disrupt the consensus splice site. ClinVar contains an entry for this variant (Variation ID: 1954368). Disruption of this splice site has been observed in individual(s) with clinical features of glycogen storage disease (Invitae). This variant is not present in population databases (gnomAD no frequency).

Literature cited by the submitters: PubMed 16199547; PubMed 8316268; PubMed 16786513.